The following is an entry in ClinVar:

ClinVar aggregate classification (germline): Pathogenic (1 of 4 stars; one submission).

Submission:

Labcorp Genetics (formerly Invitae), Labcorp
Classification: Pathogenic. Last evaluated: 2024-01-08. Review status: criteria provided, single submitter. Criteria: Invitae Variant Classification Sherloc (09022015). Collection method: clinical testing. Allele origin: germline.
Comment: This sequence change creates a premature translational stop signal (p.Gln333Alafs*157) in the TCIRG1 gene. It is expected to result in an absent or disrupted protein product. Loss-of-function variants in TCIRG1 are known to be pathogenic (PMID: 10888887, 10942435, 11532986, 19448635). This variant is not present in population databases (gnomAD no frequency). This variant has not been reported in the literature in individuals affected with TCIRG1-related conditions. For these reasons, this variant has been classified as Pathogenic.

Literature cited by the submitters: PubMed 10888887; PubMed 10942435; PubMed 11532986; PubMed 19448635.

NM_006019.4(TCIRG1):c.995dup (p.Gln333fs)

Gene: TCIRG1 (T cell immune regulator 1, ATPase H+ transporting V0 subunit a3; plus strand). Cytogenetic location: 11q13.2.
Variant type: Duplication.
Coding change: c.995dup on transcript NM_006019.4 (MANE Select); coding-DNA position 995, one base duplicated (T; older notation c.995dupT).
Protein change: p.Gln333fs; shifts the reading frame from glutamine 333.
Molecular consequence: frameshift variant.
Genome position (GRCh38, 1-based): chr11:68,044,319, T duplicated. VCF-style (leftmost placement, unchanged base first): chr11-68044318-C-CT. GRCh37 (hg19) VCF-style: chr11-67811785-C-CT.
Other names: c.101dup, p.Gln35fs (NM_001351059.2); c.347dup, p.Gln117fs (NM_006053.4); short protein forms Q117fs, Q35fs, Q333fs.
Identifiers: ClinVar variation 2771447 (VCV002771447.3), dbSNP rs2495628204, ClinGen allele CA2697548735.
Genomic context (GRCh38, chr11:68,044,318, plus strand): 5'-AGCACCACGCACAAGTGCCTCATTGCCGAGGCCTGGTGCTCTGTGCGAGACCTGCCCGCC[C>CT]TGCAGGAGGCCCTGCGGGACAGCTCGGTGAGCAGCCTGAGGCCTCGCCCCCTCTCCGCCC-3'